The following is an entry in ClinVar:

NM_001018111.3(PODXL):c.*6T>G

Gene: PODXL (podocalyxin like; minus strand). Cytogenetic location: 7q32.3.
Variant type: single nucleotide variant.
Coding change: c.*6T>G on transcript NM_001018111.3 (MANE Select); 6 bases downstream of the stop codon, T replaced by G.
Molecular consequence: 3 prime UTR variant.
Genome position (GRCh38, 1-based): chr7:131,504,305, A>C on the plus strand (T>G on the coding strand, the complement: PODXL is on the minus strand). VCF-style: chr7-131504305-A-C. GRCh37 (hg19) VCF-style: chr7-131189064-A-C.
Other names: c.*6T>G (NM_005397.4).
Identifiers: ClinVar variation 3034356 (VCV003034356.2), dbSNP rs2485262188, ClinGen allele CA2740094858.

ClinVar aggregate classification (germline): Likely benign (0 of 4 stars; one submission).

Conditions:
PODXL-related disorder. Also called: PODXL-related condition.

Submission:

PreventionGenetics, part of Exact Sciences
Classification: Likely benign for PODXL-related condition. Last evaluated: 2022-12-13. Review status: no assertion criteria provided. Collection method: clinical testing. Allele origin: germline.
Comment: This variant is classified as likely benign based on ACMG/AMP sequence variant interpretation guidelines (Richards et al. 2015 PMID: 25741868, with internal and published modifications).